The following is an entry in ClinVar:

ClinVar aggregate classification (germline): Uncertain significance (1 of 4 stars; one submission).

Conditions:
TTN-related disorder. Also called: TTN-related condition; TTN-related disease; TTN-related disorders.

gnomAD v4.1: 9 of 1,613,886 alleles (0.00056%); highest among the groups gnomAD compares: Non-Finnish European, 0.00076%; no homozygotes.

Submission:

PreventionGenetics, part of Exact Sciences
Classification: Uncertain significance for TTN-related condition. Last evaluated: 2025-10-02. Review status: criteria provided, single submitter. Criteria: ACMG Guidelines, 2015. Collection method: clinical testing. Allele origin: germline.
Comment: The TTN c.93002A>G variant is predicted to result in the amino acid substitution p.Asn31001Ser. To our knowledge, this variant has not been reported in the literature. This variant is reported in 0.00089% of alleles in individuals of European (Non-Finnish) descent in gnomAD. At this time, the clinical significance of this variant is uncertain due to the absence of conclusive functional and genetic evidence.

NM_001267550.2(TTN):c.93002A>G (p.Asn31001Ser)

Genes: TTN (titin; minus strand), TTN-AS1 (TTN antisense RNA 1; plus strand). Cytogenetic location: 2q31.2.
Variant type: single nucleotide variant.
Coding change: c.93002A>G on transcript NM_001267550.2 (MANE Select); coding-DNA position 93002, A replaced by G.
Protein change: p.Asn31001Ser; replaces asparagine 31001 with serine.
Molecular consequence: missense variant.
Genome position (GRCh38, 1-based): chr2:178,548,624, T>C on the plus strand (A>G on the coding strand, the complement: TTN is on the minus strand). VCF-style: chr2-178548624-T-C. GRCh37 (hg19) VCF-style: chr2-179413351-T-C.
Other names: c.88079A>G, p.Asn29360Ser (NM_001256850.1); c.65807A>G, p.Asn21936Ser (NM_003319.4); c.85298A>G, p.Asn28433Ser (NM_133378.4); c.66182A>G, p.Asn22061Ser (NM_133432.3); c.66383A>G, p.Asn22128Ser (NM_133437.4); short protein forms N21936S, N29360S, N22061S, N22128S, N28433S, N31001S.
Identifiers: ClinVar variation 4977113 (VCV004977113.1).